The following is an entry in ClinVar:

ClinVar aggregate classification (germline): Uncertain significance. Review status: criteria provided, multiple submitters, no conflicts (2 of 4 stars). 2 submissions from 2 submitters: Uncertain significance (2). Last evaluated 2025-10-13.

Conditions:
Hereditary cancer-predisposing syndrome. Also called: Neoplastic Syndromes, Hereditary; Tumor predisposition; Hereditary Cancer Syndrome; Hereditary neoplastic syndrome. Identifiers: Orphanet 140162, MedGen C0027672, MeSH D009386, MONDO:0015356.

Allele frequency attached by ClinVar (database versions not stated): gnomAD exomes below 0.00001.
gnomAD v4.1: 3 of 1,613,838 alleles (0.00019%); highest among the groups gnomAD compares: Non-Finnish European, 0.00025%; no homozygotes.

Submissions (2):

Labcorp Genetics (formerly Invitae), Labcorp
Classification: Uncertain significance. Last evaluated: 2025-10-13. Review status: criteria provided, single submitter. Criteria: Invitae Variant Classification Sherloc (09022015). Collection method: clinical testing. Allele origin: germline.
Comment: This sequence change replaces arginine, which is basic and polar, with leucine, which is neutral and non-polar, at codon 825 of the POLE protein (p.Arg825Leu). This variant is not present in population databases (gnomAD no frequency). This variant has not been reported in the literature in individuals affected with POLE-related conditions. ClinVar contains an entry for this variant (Variation ID: 473533). Invitae Evidence Modeling of protein sequence and biophysical properties (such as structural, functional, and spatial information, amino acid conservation, physicochemical variation, residue mobility, and thermodynamic stability) indicates that this missense variant is expected to disrupt POLE protein function with a positive predictive value of 80%. In summary, the available evidence is currently insufficient to determine the role of this variant in disease. Therefore, it has been classified as a Variant of Uncertain Significance.

Ambry Genetics
Classification: Uncertain significance for Hereditary cancer-predisposing syndrome. Last evaluated: 2024-06-21. Review status: criteria provided, single submitter. Criteria: Ambry Variant Classification Scheme 2023. Collection method: clinical testing. Allele origin: germline.
Comment: The p.R825L variant (also known as c.2474G>T), located in coding exon 22 of the POLE gene, results from a G to T substitution at nucleotide position 2474. The arginine at codon 825 is replaced by leucine, an amino acid with dissimilar properties. This amino acid position is conserved. In addition, this alteration is predicted to be deleterious by in silico analysis. Since supporting evidence is limited at this time, the clinical significance of this alteration remains unclear.

NM_006231.4(POLE):c.2474G>T (p.Arg825Leu)

Gene: POLE (DNA polymerase epsilon, catalytic subunit; minus strand). Cytogenetic location: 12q24.33.
Variant type: single nucleotide variant.
Coding change: c.2474G>T on transcript NM_006231.4 (MANE Select); coding-DNA position 2474, G replaced by T.
Protein change: p.Arg825Leu; replaces arginine 825 with leucine.
Molecular consequence: missense variant.
Genome position (GRCh38, 1-based): chr12:132,664,457, C>A on the plus strand (G>T on the coding strand, the complement: POLE is on the minus strand). VCF-style: chr12-132664457-C-A. GRCh37 (hg19) VCF-style: chr12-133241043-C-A.
Other names: short protein forms R825L.
Identifiers: ClinVar variation 473533 (VCV000473533.12), dbSNP rs1555226511, ClinGen allele CA387396669.